The following continues an entry in ClinVar:

NM_007294.4(BRCA1):c.1175_1214del (p.Leu392fs)

Gene: BRCA1. ClinVar aggregate classification (germline): Pathogenic. Pathogenic (1).

Submissions 18 to 31 of 31:

Ambry Genetics
Classification: Pathogenic for Hereditary cancer-predisposing syndrome. Last evaluated: 2018-11-02. Review status: criteria provided, single submitter. Criteria: Ambry Autosomal Dominant and X-Linked criteria (3/2017). Collection method: clinical testing. Allele origin: germline. Observed: 1 variant allele. Not counted in ClinVar's aggregate classification.
Comment: The c.1175_1214del40 pathogenic mutation, located in coding exon 9 of the BRCA1 gene, results from a deletion of 40 nucleotides at positions 1175 to 1214, causing a translational frameshift with a predicted alternate stop codon (p.L392Qfs*5). This pathogenic mutation has been reported in numerous individuals diagnosed with breast and/or ovarian cancer (Neuhausen SL et al. Am. J. Hum. Genet. 1996 Feb;58:271-80; Zhang S et al. Gynecol. Oncol. 2011 May;121:353-7; Pruss D et al. Breast Cancer Res. Treat. 2014 Aug;147:119-32; Trujillano D et al. J. Mol. Diagn. 2015 Mar;17:162-70). Of note, this alteration is also designated as 1294del40 in published literature. In addition to the clinical data presented in the literature, this alteration is expected to result in loss of function by premature protein truncation or nonsense-mediated mRNA decay. As such, this alteration is interpreted as a disease-causing mutation.

Bioinformatics dept., Datar Cancer Genetics Limited, India
Classification: Pathogenic for Breast-ovarian cancer, familial, susceptibility to, 1. Last evaluated: 2017-07-04. Review status: criteria provided, single submitter. Criteria: ACMG Guidelines, 2015. Collection method: clinical testing. Allele origin: germline. Inheritance: Autosomal dominant inheritance. Observed: 1 variant allele, 1 heterozygote. Not counted in ClinVar's aggregate classification.

Eurofins Ntd Llc (ga)
Classification: Pathogenic. Last evaluated: 2017-05-12. Review status: criteria provided, single submitter. Criteria: EGL Classification Definitions 2015. Collection method: clinical testing. Allele origin: germline. Observed: 1 variant allele, 1 heterozygote. Not counted in ClinVar's aggregate classification.

Genetic Services Laboratory, University of Chicago
Classification: Pathogenic for {Breast-ovarian cancer, familial, 1}. Last evaluated: 2017-05-12. Review status: criteria provided, single submitter. Criteria: ACMG Guidelines, 2015. Collection method: clinical testing. Allele origin: germline. Affected: yes. Not counted in ClinVar's aggregate classification.

Women's Health and Genetics/Laboratory Corporation of America, LabCorp
Classification: Pathogenic for Hereditary breast ovarian cancer syndrome. Last evaluated: 2017-04-12. Review status: criteria provided, single submitter. Criteria: LabCorp Variant Classification Summary - May 2015. Collection method: clinical testing. Allele origin: germline. Not counted in ClinVar's aggregate classification.
Comment: Variant summary: The BRCA1 c.1175_1214del40 (p.Leu392Glnfs) variant results in a premature termination codon, predicted to cause a truncated or absent BRCA1 protein due to nonsense mediated decay, which are commonly known mechanisms for disease. Truncations downstream of this position have been classified as pathogenic by our laboratory (e.g., c.1236_1237dupAT [p.Leu413fs). One in silico tool predicts a damaging outcome for this variant. This variant was found in the large control database ExAC at a frequency of 0.0000082 (1/121238 control chromosomes), which does not exceed the estimated maximal expected allele frequency of a pathogenic BRCA1 variant (0.0010005). Studies have detected this variant in breast and ovarian cancer patient populations, and the variant has been found to cosegregate with disease in families (Neuhausen_AJHG_1996). In addition, multiple clinical diagnostic laboratories/reputable databases have classified this variant as pathogenic. Taken together, this variant is classified as pathogenic.

GeneKor MSA
Classification: Pathogenic. Last evaluated: 2016-07-01. Review status: criteria provided, single submitter. Criteria: ACMG Guidelines, 2015. Collection method: clinical testing. Allele origin: germline. Not counted in ClinVar's aggregate classification.

Consortium of Investigators of Modifiers of BRCA1/2 (CIMBA), c/o University of Cambridge
Classification: Pathogenic for Breast-ovarian cancer, familial, susceptibility to, 1. Last evaluated: 2015-10-02. Review status: criteria provided, single submitter. Criteria: CIMBA Mutation Classification guidelines May 2016. Collection method: clinical testing. Allele origin: germline. Not counted in ClinVar's aggregate classification.

Department of Medical Genetics, Oslo University Hospital
Classification: Pathogenic for Breast-ovarian cancer, familial, susceptibility to, 1. Last evaluated: 2015-02-10. Review status: criteria provided, single submitter. Criteria: ACMG Guidelines, 2015. Collection method: clinical testing. Allele origin: germline. Affected: yes. Observed: 1 variant allele. Not counted in ClinVar's aggregate classification.

Counsyl
Classification: Pathogenic for Breast-ovarian cancer, familial, susceptibility to, 1. Last evaluated: 2015-08-14. Review status: no assertion criteria provided. Collection method: clinical testing. Allele origin: unknown. Not counted in ClinVar's aggregate classification.

Research Molecular Genetics Laboratory, Women's College Hospital, University of Toronto
Classification: Pathogenic for Hereditary breast ovarian cancer syndrome. Last evaluated: 2014-01-31. Review status: no assertion criteria provided. Collection method: research. Allele origin: germline. Affected: yes. Study: The Canadian Open Genetics Repository (COGR). Not counted in ClinVar's aggregate classification.

Sharing Clinical Reports Project (SCRP)
Classification: Pathogenic for Breast-ovarian cancer, familial 1. Last evaluated: 2012-05-01. Review status: no assertion criteria provided. Collection method: clinical testing. Allele origin: germline. Not counted in ClinVar's aggregate classification.

Breast Cancer Information Core (BIC) (BRCA1)
Classification: Pathogenic for Breast-ovarian cancer, familial 1. Last evaluated: 2002-05-29. Review status: no assertion criteria provided. Collection method: clinical testing. Allele origin: germline. Affected: yes. Observed: 71 variant alleles. Not counted in ClinVar's aggregate classification.

OMIM
Classification: Pathogenic for BREAST-OVARIAN CANCER, FAMILIAL, SUSCEPTIBILITY TO, 1. Last evaluated: 1994-12-01. Review status: no assertion criteria provided. Collection method: literature only. Allele origin: germline. Not counted in ClinVar's aggregate classification.

Department of Pathology and Laboratory Medicine, Sinai Health System
Classification: Pathogenic for Malignant tumor of breast. Review status: no assertion criteria provided. Collection method: clinical testing. Allele origin: unknown. Affected: yes. Study: The Canadian Open Genetics Repository (COGR). Not counted in ClinVar's aggregate classification.
Comment: The BRCA1 p.Leu392Glnfs*5 variant was identified in 15 of 7220 proband chromosomes (frequency: 0.002) from individuals or families with breast, ovarian and prostate cancer (Castilla 1994, Simard 1994, Neuhausen 1996, Risch 2001, Robertson 2012, Trujillano 2015, Castro 2013, Ramus 2007). The variant was identified in dbSNP (rs80359874) as â€šÃ„Ãºwith pathogenic alleleâ€šÃ„Ã¹, ClinVar (interpreted as "pathogenic" by Invitae and 17 others), LOVD 3.0 (observed 12x) and UMD-LSDB (observed 1x). The variant was not identified in the following control databases: the Exome Aggregation Consortium (August 8th 2016), or the Genome Aggregation Database (Feb 27, 2017). The c.1175_1214del variant is predicted to cause a frameshift, which alters the protein's amino acid sequence beginning at codon 392 and leads to a premature stop codon at position 396. This alteration is then predicted to result in a truncated or absent protein and loss of function. Loss of function variants of the BRCA1 gene are an established mechanism of disease in hereditary breast and ovarian cancer and is the type of variant expected to cause the disorder. In summary, based on the above information this variant meets our laboratoryâ€šÃ„Ã´s criteria to be classified as pathogenic.

Literature cited by the submitters: PubMed 20104584 (cited by Labcorp Genetics (formerly Invitae), Labcorp and Sema4); PubMed 7894491 (cited by 5 submitters); PubMed 8571953 (cited by 7 submitters); PubMed 10682686 (cited by Labcorp Genetics (formerly Invitae), Labcorp and Quest Diagnostics Nichols Institute San Juan Capistrano); PubMed 11179017 (cited by 5 submitters); PubMed 17688236 (cited by 3 submitters); PubMed 19648928 (cited by Labcorp Genetics (formerly Invitae), Labcorp); PubMed 21324516 (cited by 8 submitters); PubMed 22333603 (cited by 5 submitters); PubMed 23569316 (cited by 5 submitters); PubMed 25556971 (cited by 6 submitters); PubMed 26057125 (cited by All of Us Research Program, National Institutes of Health and Color Diagnostics, LLC DBA Color Health); PubMed 33471991 (cited by 3 submitters); PubMed 28888541 (cited by Quest Diagnostics Nichols Institute San Juan Capistrano); PubMed 30322717 (cited by Quest Diagnostics Nichols Institute San Juan Capistrano and Sema4); PubMed 33758026 (cited by Quest Diagnostics Nichols Institute San Juan Capistrano); PubMed 34657373 (cited by Quest Diagnostics Nichols Institute San Juan Capistrano); PubMed 26681312 (cited by Quest Diagnostics Nichols Institute San Juan Capistrano and Ambry Genetics); PubMed 26295337 (cited by Quest Diagnostics Nichols Institute San Juan Capistrano); PubMed 29339979 (cited by Sema4); PubMed 29446198 (cited by Sema4); PubMed 25085752 (cited by Laboratory for Molecular Medicine, Mass General Brigham Personalized Medicine and Ambry Genetics); PubMed 24549055 (cited by Laboratory for Molecular Medicine, Mass General Brigham Personalized Medicine); PubMed 24307375 (cited by Laboratory for Molecular Medicine, Mass General Brigham Personalized Medicine); PubMed 28588062 (cited by Laboratory for Molecular Medicine, Mass General Brigham Personalized Medicine); PubMed 26236408 (cited by Victorian Clinical Genetics Services, Murdoch Childrens Research Institute); PubMed 31706072 (cited by Victorian Clinical Genetics Services, Murdoch Childrens Research Institute); PubMed 15800894 (cited by Bioinformatics dept., Datar Cancer Genetics Limited, India); PMC 4461297 (cited by Bioinformatics dept., Datar Cancer Genetics Limited, India); PubMed 18824701 (cited by Women's Health and Genetics/Laboratory Corporation of America, LabCorp); PubMed 15829246 (cited by Women's Health and Genetics/Laboratory Corporation of America, LabCorp); PubMed 21080930 (cited by Women's Health and Genetics/Laboratory Corporation of America, LabCorp); PubMed 21993501 (cited by Counsyl); PubMed 7894492 (cited by Counsyl and OMIM); PubMed 20043088 (cited by Counsyl).